The following is an entry in ClinVar:

ClinVar aggregate classification (germline): Uncertain significance (1 of 4 stars; one submission).

Conditions:
Intellectual disability, autosomal recessive 53 (NEDHSCA). Also called: NEURODEVELOPMENTAL DISORDER WITH OR WITHOUT HYPOTONIA, SEIZURES, AND CEREBELLAR ATROPHY; GLYCOSYLPHOSPHATIDYLINOSITOL BIOSYNTHESIS DEFECT 13; Mental retardation, autosomal recessive 53. Identifiers: Orphanet 488635, MedGen C4310794, MONDO:0014832, OMIM 616917.

Allele frequency attached by ClinVar (database versions not stated): gnomAD 0.00001.
gnomAD v4.1: 1 of 1,610,408 alleles (0.000062%); highest among the groups gnomAD compares: Admixed American, 0.0017%; no homozygotes.

Submission:

Labcorp Genetics (formerly Invitae), Labcorp
Classification: Uncertain significance for Intellectual disability, autosomal recessive 53. Last evaluated: 2022-09-27. Review status: criteria provided, single submitter. Criteria: Invitae Variant Classification Sherloc (09022015). Collection method: clinical testing. Allele origin: germline.
Comment: In summary, the available evidence is currently insufficient to determine the role of this variant in disease. Therefore, it has been classified as a Variant of Uncertain Significance. Algorithms developed to predict the effect of missense changes on protein structure and function (SIFT, PolyPhen-2, Align-GVGD) all suggest that this variant is likely to be tolerated. This variant has not been reported in the literature in individuals affected with PIGG-related conditions. This variant is not present in population databases (gnomAD no frequency). This sequence change replaces proline, which is neutral and non-polar, with alanine, which is neutral and non-polar, at codon 373 of the PIGG protein (p.Pro373Ala).

NM_001127178.3(PIGG):c.1117C>G (p.Pro373Ala)

Gene: PIGG (phosphatidylinositol glycan anchor biosynthesis class G (EMM blood group); plus strand). Cytogenetic location: 4p16.3.
Variant type: single nucleotide variant.
Coding change: c.1117C>G on transcript NM_001127178.3 (MANE Select); coding-DNA position 1117, C replaced by G.
Protein change: p.Pro373Ala; replaces proline 373 with alanine.
Molecular consequence: missense variant. On other transcripts: 5 prime UTR variant (2), non-coding transcript variant (10), intron variant (1).
Genome position (GRCh38, 1-based): chr4:521,058, C>G. VCF-style: chr4-521058-C-G. GRCh37 (hg19) VCF-style: chr4-514847-C-G.
Other names: c.850C>G, p.Pro284Ala (NM_001289051.2, NM_001289053.2, NM_001345986.2 and 1 more transcripts); c.718C>G, p.Pro240Ala (NM_001289052.2); c.751C>G, p.Pro251Ala (NM_001289055.2); c.88C>G, p.Pro30Ala (NM_001345988.2); c.1117C>G, p.Pro373Ala (NM_001345989.2, NM_017733.5); c.-371C>G (NM_001345990.2, NM_001345991.2); c.43C>G, p.Pro15Ala (NM_001345994.2); c.848-602C>G (NM_001289057.2); short protein forms P240A, P251A, P15A, P284A, P30A, P373A.
Identifiers: ClinVar variation 2190101 (VCV002190101.4), dbSNP rs1725711857, ClinGen allele CA355903456.
Genomic context (GRCh38, chr4:521,058, plus strand): 5'-TATAAATGTATGTTCACGGTGTGTGTGCGCGCCTGTAACCTTTCTGTCTTCTTAATAGAT[C>G]CTGGGTTTGAGCAGTTTAAAATGTCAGAAAGATTGCATGGGAACTGGATCAGACTGTACT-3'
Protein context (NP_001120650.1, residues 363-383): QENVPSYEKD[Pro373Ala]GFEQFKMSER